The following is an entry in ClinVar:

NM_000515.5(GH1):c.640_648del (p.Ser214_Gly216del)

Genes: GH1 (growth hormone 1; minus strand), GH-LCR (growth hormone locus control region; plus strand). Cytogenetic location: 17q23.3.
Variant type: Deletion.
Coding change: c.640_648del on transcript NM_000515.5 (MANE Select); coding-DNA positions 640 to 648, 9 bases deleted (AGCTGTGGC; older notation c.640_648delAGCTGTGGC).
Protein change: p.Ser214_Gly216del.
Molecular consequence: inframe deletion.
Genome position (GRCh38, 1-based): chr17:63,917,315-63,917,323, GCCACAGCT deleted on the plus strand (AGCTGTGGC on the coding strand, the reverse complement: GH1 is on the minus strand); deleting any 9 consecutive bases within chr17:63,917,315-63,917,326 gives the same sequence; the c. name uses the placement nearest the transcript's 3' end. VCF-style (leftmost placement, unchanged base first): chr17-63917314-AGCCACAGCT-A. GRCh37 (hg19) VCF-style: chr17-61994674-AGCCACAGCT-A.
Other names: c.595_603del, p.Ser199_Gly201del (NM_022559.4); c.520_528del, p.Ser174_Gly176del (NM_022560.4).
Identifiers: ClinVar variation 3370355 (VCV003370355.1).

ClinVar aggregate classification (germline): Uncertain significance (1 of 4 stars; one submission).

Conditions:
Autosomal dominant isolated somatotropin deficiency (IGHD2). Also called: Idiopathic Growth Hormone Deficiency Type II; IGHD II. Identifiers: Orphanet 231679, Orphanet 631, MedGen C0271567, MONDO:0008250, OMIM 173100.

Submission:

MVZ Medizinische Genetik Mainz
Classification: Uncertain significance for Autosomal dominant isolated somatotropin deficiency. Last evaluated: 2024-07-22. Review status: criteria provided, single submitter. Criteria: UK Practice Guidelines For Variant Classification V4 01 2020. Collection method: clinical testing. Allele origin: germline. Inheritance: Autosomal dominant inheritance. Affected: yes. Observed: 1 variant allele.
Comment: ACMG Criteria: PM4,PM2_SUP,PP1,PP3